The following is an entry in ClinVar:

ClinVar aggregate classification (germline): Likely benign. Review status: criteria provided, multiple submitters, no conflicts (2 of 4 stars). 3 submissions from 3 submitters: Likely benign (3). Last evaluated 2025-10-08.

Conditions:
Diffuse cerebral and cerebellar atrophy - intractable seizures - progressive microcephaly syndrome. Also called: Microcephaly, progressive, with seizures and cerebral and cerebellar atrophy. Identifiers: Orphanet 404437, MedGen C4014239, MONDO:0014335, OMIM 615760.

Allele frequency attached by ClinVar (database versions not stated): gnomAD 0.00001; gnomAD exomes 0.00001 and 0.00002; ExAC 0.00002; TOPMed 0.00002.
gnomAD v4.1: 21 of 1,606,364 alleles (0.0013%); highest among the groups gnomAD compares: Admixed American, 0.0017%; no homozygotes.

Submissions (3):

Labcorp Genetics (formerly Invitae), Labcorp
Classification: Likely benign for Diffuse cerebral and cerebellar atrophy - intractable seizures - progressive microcephaly syndrome. Last evaluated: 2025-10-08. Review status: criteria provided, single submitter. Criteria: Invitae Variant Classification Sherloc (09022015). Collection method: clinical testing. Allele origin: germline.

Blueprint Genetics
Classification: Likely benign. Last evaluated: 2023-08-23. Review status: criteria provided, single submitter. Criteria: ACMG Guidelines, 2015. Collection method: clinical testing. Allele origin: germline.

GeneDx
Classification: Likely benign. Last evaluated: 2016-05-05. Review status: criteria provided, single submitter. Criteria: GeneDx Variant Classification (06012015). Collection method: clinical testing. Allele origin: germline. Affected: yes.
Comment: This variant is considered likely benign or benign based on one or more of the following criteria: it is a conservative change, it occurs at a poorly conserved position in the protein, it is predicted to be benign by multiple in silico algorithms, and/or has population frequency not consistent with disease.

NM_005051.3(QARS1):c.960C>T (p.Asp320=)

Gene: QARS1 (glutaminyl-tRNA synthetase 1; minus strand). Cytogenetic location: 3p21.31.
Variant type: single nucleotide variant.
Coding change: c.960C>T on transcript NM_005051.3 (MANE Select); coding-DNA position 960, C replaced by T.
Protein change: p.Asp320=; no amino-acid change (aspartic acid 320 retained).
Molecular consequence: synonymous variant. On other transcripts: non-coding transcript variant (1).
Genome position (GRCh38, 1-based): chr3:49,100,591, G>A on the plus strand (C>T on the coding strand, the complement: QARS1 is on the minus strand). VCF-style: chr3-49100591-G-A. GRCh37 (hg19) VCF-style: chr3-49138024-G-A.
Other names: c.927C>T, p.Asp309= (NM_001272073.2).
Identifiers: ClinVar variation 385835 (VCV000385835.9), dbSNP rs780978358, ClinGen allele CA2391936.